The following is an entry in ClinVar:

ClinVar aggregate classification (germline): Benign (0 of 4 stars; one submission).

Conditions:
BPIFA3-related disorder. Also called: BPIFA3-related condition.

Allele frequency attached by ClinVar (database versions not stated): gnomAD exomes 0.54073; ExAC 0.55848; ESP Exome Variant Server 0.58327; TOPMed 0.58444; gnomAD 0.58995; 1000 Genomes Project 30x 0.66052; 1000 Genomes Project 0.66434.
gnomAD v4.1: 880,515 of 1,613,474 alleles (55%); highest among the groups gnomAD compares: East Asian, 82%; 245,821 homozygotes.

Submission:

PreventionGenetics, part of Exact Sciences
Classification: Benign for BPIFA3-related condition. Last evaluated: 2019-10-17. Review status: no assertion criteria provided. Collection method: clinical testing. Allele origin: germline.
Comment: This variant is classified as benign based on ACMG/AMP sequence variant interpretation guidelines (Richards et al. 2015 PMID: 25741868, with internal and published modifications).

NM_178466.5(BPIFA3):c.406G>A (p.Val136Ile)

Gene: BPIFA3 (BPI fold containing family A member 3; plus strand). Cytogenetic location: 20q11.21.
Variant type: single nucleotide variant.
Coding change: c.406G>A on transcript NM_178466.5 (MANE Select); coding-DNA position 406, G replaced by A.
Protein change: p.Val136Ile; replaces valine 136 with isoleucine.
Molecular consequence: missense variant.
Genome position (GRCh38, 1-based): chr20:33,225,117, G>A. VCF-style: chr20-33225117-G-A. GRCh37 (hg19) VCF-style: chr20-31812923-G-A.
Other names: c.406G>A, p.Val136Ile (NM_001014978.1); c.298G>A, p.Val100Ile (NM_001042439.2); short protein forms V100I, V136I.
Identifiers: ClinVar variation 3059896 (VCV003059896.2), dbSNP rs3818222, ClinGen allele CA9815280.